The following is an entry in ClinVar:

ClinVar aggregate classification (germline): Uncertain significance. Review status: criteria provided, multiple submitters, no conflicts (2 of 4 stars). 2 submissions from 2 submitters: Uncertain significance (2). Last evaluated 2025-05-05.

Conditions:
GNAS-related disorder. Identifiers: MedGen CN380105.

Submissions (2):

PreventionGenetics, part of Exact Sciences
Classification: Uncertain significance for GNAS-related condition. Last evaluated: 2025-05-05. Review status: criteria provided, single submitter. Criteria: ACMG Guidelines, 2015. Collection method: clinical testing. Allele origin: germline.
Comment: The GNAS c.5G>T variant is predicted to result in the amino acid substitution p.Gly2Val. To our knowledge, this variant has not been reported in the literature or in a large population database (gnomAD), indicating this variant is rare. At this time, the clinical significance of this variant is uncertain due to the absence of conclusive functional and genetic evidence.

Labcorp Genetics (formerly Invitae), Labcorp
Classification: Uncertain significance. Last evaluated: 2022-06-15. Review status: criteria provided, single submitter. Criteria: Invitae Variant Classification Sherloc (09022015). Collection method: clinical testing. Allele origin: germline.
Comment: This variant has not been reported in the literature in individuals affected with GNAS-related conditions. Algorithms developed to predict the effect of missense changes on protein structure and function are either unavailable or do not agree on the potential impact of this missense change (SIFT: "Deleterious"; PolyPhen-2: "Probably Damaging"; Align-GVGD: "Class C0"). In summary, the available evidence is currently insufficient to determine the role of this variant in disease. Therefore, it has been classified as a Variant of Uncertain Significance. This variant is not present in population databases (gnomAD no frequency). This sequence change replaces glycine, which is neutral and non-polar, with valine, which is neutral and non-polar, at codon 2 of the GNAS protein (p.Gly2Val).

NM_000516.7(GNAS):c.5G>T (p.Gly2Val)

Gene: GNAS (GNAS complex locus; plus strand). Cytogenetic location: 20q13.32.
Variant type: single nucleotide variant.
Coding change: c.5G>T on transcript NM_000516.7 (MANE Select); coding-DNA position 5, G replaced by T.
Protein change: p.Gly2Val; replaces glycine 2 with valine.
Molecular consequence: missense variant. On other transcripts: intron variant (6).
Genome position (GRCh38, 1-based): chr20:58,891,731, G>T. VCF-style: chr20-58891731-G-T. GRCh37 (hg19) VCF-style: chr20-57466786-G-T.
Other names: c.5G>T (NM_000516.5); c.5G>T, p.Gly2Val (NM_001077488.5, NM_001077489.4, NM_001309842.2 and 1 more transcripts); c.*43-3881G>T (NM_016592.5); c.-38-3881G>T (NM_001309861.2); c.*1-3881G>T (NM_001077490.3); c.2069-3881G>T (NM_080425.4); c.*159-3881G>T (NM_001309883.1); c.-39+2378G>T (NM_001309840.2); short protein forms G2V.
Identifiers: ClinVar variation 2007070 (VCV002007070.5), dbSNP rs2516795072, ClinGen allele CA409448625.